The following is an entry in ClinVar:

NM_001290043.2(TAP2):c.1318G>T (p.Ala440Ser)

Gene: TAP2 (transporter 2, ATP binding cassette subfamily B member; minus strand). Cytogenetic location: 6p21.32.
Variant type: single nucleotide variant.
Coding change: c.1318G>T on transcript NM_001290043.2 (MANE Select); coding-DNA position 1318, G replaced by T.
Protein change: p.Ala440Ser; replaces alanine 440 with serine.
Molecular consequence: missense variant.
Genome position (GRCh38, 1-based): chr6:32,830,761, C>A on the plus strand (G>T on the coding strand, the complement: TAP2 is on the minus strand). VCF-style: chr6-32830761-C-A. GRCh37 (hg19) VCF-style: chr6-32798538-C-A.
Other names: c.1318G>T, p.Ala440Ser (NM_000544.3, NM_018833.3); short protein forms A440S.
Identifiers: ClinVar variation 578761 (VCV000578761.8), dbSNP rs1004855025, ClinGen allele CA363581315.

ClinVar aggregate classification (germline): Uncertain significance (1 of 4 stars; one submission).

Conditions:
MHC class I deficiency. Identifiers: Orphanet 34592, MedGen C6024714, MONDO:0011476.

Allele frequency attached by ClinVar (database versions not stated): TOPMed below 0.00001.

Submission:

Labcorp Genetics (formerly Invitae), Labcorp
Classification: Uncertain significance for MHC class I deficiency 1. Last evaluated: 2020-12-04. Review status: criteria provided, single submitter. Criteria: Invitae Variant Classification Sherloc (09022015). Collection method: clinical testing. Allele origin: germline.
Comment: This variant has not been reported in the literature in individuals with TAP2-related disease. In summary, the available evidence is currently insufficient to determine the role of this variant in disease. Therefore, it has been classified as a Variant of Uncertain Significance. Algorithms developed to predict the effect of missense changes on protein structure and function do not agree on the potential impact of this missense change (SIFT: "Deleterious"; Align-GVGD: "Class C0"). This variant is not present in population databases (ExAC no frequency). This sequence change replaces alanine with serine at codon 440 of the TAP2 protein (p.Ala440Ser). The alanine residue is highly conserved and there is a moderate physicochemical difference between alanine and serine.